The following is an entry in ClinVar:

NM_001277115.2(DNAH11):c.12281G>A (p.Arg4094Lys)

Gene: DNAH11 (dynein axonemal heavy chain 11; plus strand). Cytogenetic location: 7p15.3.
Variant type: single nucleotide variant.
Coding change: c.12281G>A on transcript NM_001277115.2 (MANE Select); coding-DNA position 12281, G replaced by A.
Protein change: p.Arg4094Lys; replaces arginine 4094 with lysine.
Molecular consequence: missense variant.
Genome position (GRCh38, 1-based): chr7:21,880,787, G>A. VCF-style: chr7-21880787-G-A. GRCh37 (hg19) VCF-style: chr7-21920405-G-A.
Other names: short protein forms R4094K.
Identifiers: ClinVar variation 3897263 (VCV003897263.1).

ClinVar aggregate classification (germline): Uncertain significance (1 of 4 stars; one submission).

gnomAD v4.1: 1 of 1,613,988 alleles (0.000062%); highest among the groups gnomAD compares: Non-Finnish European, 0.000085%; no homozygotes.

Submission:

GeneDx
Classification: Uncertain significance. Last evaluated: 2024-10-28. Review status: criteria provided, single submitter. Criteria: GeneDx Variant Classification Process June 2021. Collection method: clinical testing. Allele origin: germline. Affected: yes.
Comment: Not observed at significant frequency in large population cohorts (gnomAD); In silico analysis supports that this missense variant has a deleterious effect on protein structure/function; Has not been previously published as pathogenic or benign to our knowledge